The following is an entry in ClinVar:

NM_205850.3(SLC24A5):c.29C>T (p.Ala10Val)

Gene: SLC24A5 (solute carrier family 24 member 5; plus strand). Cytogenetic location: 15q21.1.
Variant type: single nucleotide variant.
Coding change: c.29C>T on transcript NM_205850.3 (MANE Select); coding-DNA position 29, C replaced by T.
Protein change: p.Ala10Val; replaces alanine 10 with valine.
Molecular consequence: missense variant.
Genome position (GRCh38, 1-based): chr15:48,121,073, C>T. VCF-style: chr15-48121073-C-T. GRCh37 (hg19) VCF-style: chr15-48413270-C-T.
Other names: short protein forms A10V.
Identifiers: ClinVar variation 1431344 (VCV001431344.4), dbSNP rs189224179, ClinGen allele CA7545733.

ClinVar aggregate classification (germline): Uncertain significance (1 of 4 stars; one submission).

Allele frequency attached by ClinVar (database versions not stated): TOPMed 0.00004; gnomAD 0.00006 and 0.00007; ExAC 0.00008; gnomAD exomes 0.00008; 1000 Genomes Project 30x 0.00078; 1000 Genomes Project 0.00080.
gnomAD v4.1: 65 of 1,613,856 alleles (0.004%); highest among the groups gnomAD compares: East Asian, 0.029%; no homozygotes.

Submission:

Labcorp Genetics (formerly Invitae), Labcorp
Classification: Uncertain significance. Last evaluated: 2024-11-05. Review status: criteria provided, single submitter. Criteria: Invitae Variant Classification Sherloc (09022015). Collection method: clinical testing. Allele origin: germline.
Comment: This sequence change replaces alanine, which is neutral and non-polar, with valine, which is neutral and non-polar, at codon 10 of the SLC24A5 protein (p.Ala10Val). This variant is present in population databases (rs189224179, gnomAD 0.04%). This missense change has been observed in individual(s) with oculocutaneous albinism (PMID: 20426782). ClinVar contains an entry for this variant (Variation ID: 1431344). An algorithm developed to predict the effect of missense changes on protein structure and function outputs the following: PolyPhen-2: "Benign". The valine amino acid residue is found in multiple mammalian species, which suggests that this missense change does not adversely affect protein function. In summary, the available evidence is currently insufficient to determine the role of this variant in disease. Therefore, it has been classified as a Variant of Uncertain Significance.

Literature cited by the submitters: PubMed 20426782.